The following is an entry in ClinVar:

ClinVar aggregate classification (germline): Pathogenic (1 of 4 stars; one submission).

Conditions:
Primary ciliary dyskinesia. Also called: Ciliary dyskinesia. Identifiers: Orphanet 244, MedGen C0008780, MONDO:0016575, HP:0012265.

Allele frequency attached by ClinVar (database versions not stated): gnomAD exomes below 0.00001; ExAC 0.00001; gnomAD 0.00001; 1000 Genomes Project 30x 0.00016; 1000 Genomes Project 0.00020.
gnomAD v4.1: 2 of 1,614,142 alleles (0.00012%); highest among the groups gnomAD compares: South Asian, 0.0022%; no homozygotes.

Submission:

Labcorp Genetics (formerly Invitae), Labcorp
Classification: Pathogenic for Primary ciliary dyskinesia. Last evaluated: 2023-06-04. Review status: criteria provided, single submitter. Criteria: Invitae Variant Classification Sherloc (09022015). Collection method: clinical testing. Allele origin: germline.
Comment: For these reasons, this variant has been classified as Pathogenic. This variant has not been reported in the literature in individuals affected with DNAH5-related conditions. This variant is present in population databases (rs548721070, gnomAD 0.003%). This sequence change creates a premature translational stop signal (p.Gln4340*) in the DNAH5 gene. It is expected to result in an absent or disrupted protein product. Loss-of-function variants in DNAH5 are known to be pathogenic (PMID: 11788826, 16627867).

Literature cited by the submitters: PubMed 11788826; PubMed 16627867.

NM_001369.3(DNAH5):c.13018C>T (p.Gln4340Ter)

Gene: DNAH5 (dynein axonemal heavy chain 5; minus strand). Cytogenetic location: 5p15.2.
Variant type: single nucleotide variant.
Coding change: c.13018C>T on transcript NM_001369.3 (MANE Select); coding-DNA position 13018, C replaced by T.
Protein change: p.Gln4340Ter; replaces glutamine 4340 with a stop codon.
Molecular consequence: nonsense.
Genome position (GRCh38, 1-based): chr5:13,714,512, G>A on the plus strand (C>T on the coding strand, the complement: DNAH5 is on the minus strand). VCF-style: chr5-13714512-G-A. GRCh37 (hg19) VCF-style: chr5-13714621-G-A.
Other names: short protein forms Q4340*.
Identifiers: ClinVar variation 2787374 (VCV002787374.3), dbSNP rs548721070, ClinGen allele CA3201476.